The following is an entry in ClinVar:

ClinVar aggregate classification (germline): Uncertain significance (1 of 4 stars; one submission).

Conditions:
Hennekam lymphangiectasia-lymphedema syndrome 1 (HKLLS1). Also called: LYMPHATIC DYSPLASIA, GENERALIZED. Identifiers: Orphanet 2136, MedGen C4012050, MONDO:0009337, OMIM 235510.

gnomAD v4.1: 4 of 1,613,948 alleles (0.00025%); highest among the groups gnomAD compares: African/African-American, 0.0013%; no homozygotes.

Submission:

Dasa
Classification: Uncertain significance for Hennekam lymphangiectasia-lymphedema syndrome 1. Last evaluated: 2025-08-18. Review status: criteria provided, single submitter. Criteria: DASA Assertion Criteria. Collection method: clinical testing. Allele origin: germline.
Comment: NM_133459.4(CCBE1):c.151A>G (p.Lys51Glu) is a missense variant that results in the substitution of lysine with glutamic acid. This variant is rare in population databases. The currently available literature and clinical evidence are not sufficient to establish a definitive association between this variant and the reported condition. Therefore, this variant is classified as a variant of uncertain significance.

NM_133459.4(CCBE1):c.151A>G (p.Lys51Glu)

Gene: CCBE1 (collagen and calcium binding EGF domains 1; minus strand). Cytogenetic location: 18q21.32.
Variant type: single nucleotide variant.
Coding change: c.151A>G on transcript NM_133459.4 (MANE Select); coding-DNA position 151, A replaced by G.
Protein change: p.Lys51Glu; replaces lysine 51 with glutamic acid.
Molecular consequence: missense variant.
Genome position (GRCh38, 1-based): chr18:59,696,690, T>C on the plus strand (A>G on the coding strand, the complement: CCBE1 is on the minus strand). VCF-style: chr18-59696690-T-C. GRCh37 (hg19) VCF-style: chr18-57363922-T-C.
Other names: short protein forms K51E.
Identifiers: ClinVar variation 4883515 (VCV004883515.2).